The following is an entry in ClinVar:

NM_001282116.2(RFX3):c.2047G>A (p.Glu683Lys)

Gene: RFX3 (regulatory factor X3; minus strand). Cytogenetic location: 9p24.2.
Variant type: single nucleotide variant.
Coding change: c.2047G>A on transcript NM_001282116.2 (MANE Select); coding-DNA position 2047, G replaced by A.
Protein change: p.Glu683Lys; replaces glutamic acid 683 with lysine.
Molecular consequence: missense variant.
Genome position (GRCh38, 1-based): chr9:3,225,245, C>T on the plus strand (G>A on the coding strand, the complement: RFX3 is on the minus strand). VCF-style: chr9-3225245-C-T. GRCh37 (hg19) VCF-style: chr9-3225245-C-T.
Other names: c.2110G>A, p.Glu704Lys (NM_001377999.1); c.2047G>A, p.Glu683Lys (NM_134428.3); short protein forms E683K, E704K.
Identifiers: ClinVar variation 4975141 (VCV004975141.1).
Genomic context (GRCh38, chr9:3,225,245, plus strand): 5'-ATGCCTGGCTCAGCTCTGTTTTCTCTCTTTTGGCTTGAGGCTCTGAAGAGTCATCCAGTT[C>T]TTCATCCATTTCACTTTCTACTTCACTGCCTTCATCTGCACAAACAAATAATACCAAGAC-3'
Protein context (NP_001269045.1, residues 673-693): GSEVESEMDE[Glu683Lys]LDDSSEPQAK

ClinVar aggregate classification (germline): Uncertain significance (1 of 4 stars; one submission).

Submission:

GeneDx
Classification: Uncertain significance. Last evaluated: 2026-02-10. Review status: criteria provided, single submitter. Criteria: GeneDx Variant Classification Process June 2021. Collection method: clinical testing. Allele origin: germline.
Comment: Not observed at significant frequency in large population cohorts (gnomAD); In silico analysis suggests that this missense variant does not alter protein structure/function; Has not been previously published as pathogenic or benign to our knowledge